The following is an entry in ClinVar:

NM_001742.4(CALCR):c.863+1G>A

Gene: CALCR (calcitonin receptor; minus strand). Cytogenetic location: 7q21.3.
Variant type: single nucleotide variant.
Coding change: c.863+1G>A on transcript NM_001742.4 (MANE Select); the canonical splice donor site of the intron after coding-DNA position 863, G replaced by A.
Molecular consequence: splice donor variant.
Genome position (GRCh38, 1-based): chr7:93,438,209, C>T on the plus strand (G>A on the coding strand, the complement: CALCR is on the minus strand). VCF-style: chr7-93438209-C-T. GRCh37 (hg19) VCF-style: chr7-93067521-C-T.
Other names: c.911+1G>A (NM_001164737.3); c.863+1G>A (NM_001164738.2).
Identifiers: ClinVar variation 4881249 (VCV004881249.2).

ClinVar aggregate classification (germline): Uncertain significance (1 of 4 stars; one submission).

gnomAD v4.1: 9 of 1,612,692 alleles (0.00056%); highest among the groups gnomAD compares: Non-Finnish European, 0.00076%; no homozygotes.

Submission:

Dasa
Classification: Uncertain significance. Last evaluated: 2026-03-26. Review status: criteria provided, single submitter. Criteria: DASA Assertion Criteria. Collection method: clinical testing. Allele origin: germline.
Comment: NM_001742.4(CALCR):c.863+1G>A affects a canonical splice site and is predicted to disrupt normal RNA splicing. This variant is rare in population databases. The currently available literature and clinical evidence are not sufficient to establish a definitive association between this variant and the reported condition. Therefore, this variant is classified as a variant of uncertain significance.